The following is an entry in ClinVar:

ClinVar aggregate classification (germline): Uncertain significance (1 of 4 stars; one submission).

Conditions:
Inborn genetic diseases. Identifiers: MedGen C0950123, MeSH D030342.
SCN2A-related disorder. Also called: SCN2A-related condition; SCN2A-related disorders. Identifiers: MedGen CN382226, MONDO:1060245.

Allele frequency attached by ClinVar (database versions not stated): gnomAD exomes below 0.00001.
gnomAD v4.1: 1 of 1,613,614 alleles (0.000062%); highest among the groups gnomAD compares: Non-Finnish European, 0.000085%; no homozygotes.

Submission:

Ambry Genetics
Classification: Uncertain significance for Inborn genetic diseases. Last evaluated: 2018-07-27. Review status: criteria provided, single submitter. Criteria: Ambry Variant Classification Scheme 2023. Collection method: clinical testing. Allele origin: germline.
Comment: The p.L663H variant (also known as c.1988T>A), located in coding exon 11 of the SCN2A gene, results from a T to A substitution at nucleotide position 1988. The leucine at codon 663 is replaced by histidine, an amino acid with similar properties. This amino acid position is highly conserved through mammals but not in all available vertebrate species. In addition, the in silico prediction for this alteration is inconclusive. Since supporting evidence is limited at this time, the clinical significance of this alteration remains unclear.

NM_001040142.2(SCN2A):c.1988T>A (p.Leu663His)

Gene: SCN2A (sodium voltage-gated channel alpha subunit 2; plus strand). Cytogenetic location: 2q24.3.
Variant type: single nucleotide variant.
Coding change: c.1988T>A on transcript NM_001040142.2 (MANE Select); coding-DNA position 1988, T replaced by A.
Protein change: p.Leu663His; replaces leucine 663 with histidine.
Molecular consequence: missense variant.
Genome position (GRCh38, 1-based): chr2:165,323,472, T>A. VCF-style: chr2-165323472-T-A. GRCh37 (hg19) VCF-style: chr2-166179982-T-A.
Other names: c.1988T>A, p.Leu663His (NM_001040143.2, NM_001371246.1, NM_001371247.1 and 1 more transcripts); short protein forms L663H.
Identifiers: ClinVar variation 1783902 (VCV001783902.4), dbSNP rs2467934487, ClinGen allele CA349027812.